The following is an entry in ClinVar:

NM_004738.5(VAPB):c.601A>G (p.Thr201Ala)

Gene: VAPB (VAMP associated protein B and C; plus strand). Cytogenetic location: 20q13.32.
Variant type: single nucleotide variant.
Coding change: c.601A>G on transcript NM_004738.5 (MANE Select); coding-DNA position 601, A replaced by G.
Protein change: p.Thr201Ala; replaces threonine 201 with alanine.
Molecular consequence: missense variant. On other transcripts: non-coding transcript variant (1).
Genome position (GRCh38, 1-based): chr20:58,444,104, A>G. VCF-style: chr20-58444104-A-G. GRCh37 (hg19) VCF-style: chr20-57019160-A-G.
Other names: c.239A>G, p.Asp80Gly (NM_001195677.2); short protein forms D80G, T201A.
Identifiers: ClinVar variation 3761504 (VCV003761504.3).
Genomic context (GRCh38, chr20:58,444,104, plus strand): 5'-GCTTGTCTTTGAAATGTGCGTTTGCTCCCGTAGGAAGAAGATGGACTGCGGATGAGGAAG[A>G]CAGTGCAGAGCAACAGCCCCATTTCAGCATTAGCCCCAACTGGGAAGGAAGAAGGCCTTA-3'
Protein context (NP_004729.1, residues 191-211): KEEDGLRMRK[Thr201Ala]VQSNSPISAL

ClinVar aggregate classification (germline): Uncertain significance. Review status: criteria provided, multiple submitters, no conflicts (2 of 4 stars). 2 submissions from 2 submitters: Uncertain significance (2). Last evaluated 2026-06-24.

Conditions:
Amyotrophic lateral sclerosis type 8 (ALS8). Identifiers: Orphanet 803, MedGen C1837728, MONDO:0012077, OMIM 608627.
Adult-onset proximal spinal muscular atrophy, autosomal dominant. Also called: Spinal muscular atrophy, late-onset, finkel type; FINKEL LATE-ADULT TYPE SMA. Identifiers: Orphanet 209335, MedGen C1854058, MONDO:0008453, OMIM 182980.
Inborn genetic diseases. Identifiers: MedGen C0950123, MeSH D030342.

gnomAD v4.1: 2 of 1,614,104 alleles (0.00012%); highest among the groups gnomAD compares: African/African-American, 0.0013%; no homozygotes.

Submissions (2):

Ambry Genetics
Classification: Uncertain significance for Inborn genetic diseases. Last evaluated: 2026-06-24. Review status: criteria provided, single submitter. Criteria: Ambry Variant Classification Scheme 2023. Collection method: clinical testing. Allele origin: germline.
Comment: The c.601A>G (p.T201A) alteration is located in exon 6 (coding exon 6) of the VAPB gene. This alteration results from a A to G substitution at nucleotide position 601, causing the threonine (T) at amino acid position 201 to be replaced by an alanine (A). Based on data from gnomAD, the G allele has an overall frequency of <0.001% (1/251488) total alleles studied. The highest observed frequency was 0.001% (1/113762) of European (non-Finnish) alleles. Based on insufficient or conflicting evidence, the clinical significance of this alteration remains unclear.

Labcorp Genetics (formerly Invitae), Labcorp
Classification: Uncertain significance for Adult-onset proximal spinal muscular atrophy, autosomal dominant; Amyotrophic lateral sclerosis type 8. Last evaluated: 2024-09-02. Review status: criteria provided, single submitter. Criteria: Invitae Variant Classification Sherloc (09022015). Collection method: clinical testing. Allele origin: germline.
Comment: This sequence change replaces threonine, which is neutral and polar, with alanine, which is neutral and non-polar, at codon 201 of the VAPB protein (p.Thr201Ala). This variant is present in population databases (rs757786343, gnomAD 0.0009%). This variant has not been reported in the literature in individuals affected with VAPB-related conditions. Invitae Evidence Modeling of protein sequence and biophysical properties (such as structural, functional, and spatial information, amino acid conservation, physicochemical variation, residue mobility, and thermodynamic stability) indicates that this missense variant is not expected to disrupt VAPB protein function with a negative predictive value of 80%. Algorithms developed to predict the effect of sequence changes on RNA splicing suggest that this variant may disrupt the consensus splice site. In summary, the available evidence is currently insufficient to determine the role of this variant in disease. Therefore, it has been classified as a Variant of Uncertain Significance.